The following is an entry in ClinVar:

NM_001099287.2(NIPAL4):c.*910A>T

Gene: NIPAL4 (NIPA like domain containing 4; plus strand). Cytogenetic location: 5q33.3.
Variant type: single nucleotide variant.
Coding change: c.*910A>T on transcript NM_001099287.2 (MANE Select); 910 bases downstream of the stop codon, A replaced by T.
Molecular consequence: 3 prime UTR variant.
Genome position (GRCh38, 1-based): chr5:157,473,870, A>T. VCF-style: chr5-157473870-A-T. GRCh37 (hg19) VCF-style: chr5-156900878-A-T.
Other names: c.*910A>T (NM_001172292.2).
Identifiers: ClinVar variation 352538 (VCV000352538.5), dbSNP rs3822692, ClinGen allele CA10623774.
Genomic context (GRCh38, chr5:157,473,870, plus strand): 5'-GCAAATTCACTGCTTCAAAGTGGCCTGGCTGCCAAGCTAGAATTTGGCAGAACGCACTTT[A>T]CTATTCCTCAAGGAGTCAACCAACCTATGATCTGGGGAGGTGGGAAGAGGATGAGGAGCA-3'

ClinVar aggregate classification (germline): Benign (1 of 4 stars; one submission).

Conditions:
Autosomal recessive congenital ichthyosis 6 (ARCI6). Identifiers: Orphanet 313, Orphanet 79394, MedGen C2677065, MONDO:0012847, OMIM 612281.

Allele frequency attached by ClinVar (database versions not stated): TOPMed 0.47099; gnomAD 0.47331 and 0.47501; gnomAD exomes 0.50000; 1000 Genomes Project 30x 0.50406; 1000 Genomes Project 0.50539.

Submission:

Illumina Laboratory Services, Illumina
Classification: Benign for Autosomal recessive congenital ichthyosis 6. Last evaluated: 2018-01-12. Review status: criteria provided, single submitter. Criteria: ICSL Variant Classification Criteria 13 December 2019. Collection method: clinical testing. Allele origin: germline.
Comment: This variant was observed in the ICSL laboratory as part of a predisposition screen in an ostensibly healthy population. It had not been previously curated by ICSL or reported in the Human Gene Mutation Database (HGMD: prior to June 1st, 2018), and was therefore a candidate for classification through an automated scoring system. Utilizing variant allele frequency, disease prevalence and penetrance estimates, and inheritance mode, an automated score was calculated to assess if this variant is too frequent to cause the disease. Based on the score and internal cut-off values, a variant classified as benign is not then subjected to further curation. The score for this variant resulted in a classification of benign for this disease.